The following is an entry in ClinVar:

NM_000208.4(INSR):c.1151A>G (p.Asn384Ser)

Gene: INSR (insulin receptor; minus strand). Cytogenetic location: 19p13.2.
Variant type: single nucleotide variant.
Coding change: c.1151A>G on transcript NM_000208.4 (MANE Select); coding-DNA position 1151, A replaced by G.
Protein change: p.Asn384Ser; replaces asparagine 384 with serine.
Molecular consequence: missense variant.
Genome position (GRCh38, 1-based): chr19:7,172,407, T>C on the plus strand (A>G on the coding strand, the complement: INSR is on the minus strand). VCF-style: chr19-7172407-T-C. GRCh37 (hg19) VCF-style: chr19-7172418-T-C.
Other names: c.1151A>G, p.Asn384Ser (NM_001079817.3); short protein forms N384S.
Identifiers: ClinVar variation 987803 (VCV000987803.1), dbSNP rs1419106670, ClinGen allele CA403667796.
Genomic context (GRCh38, chr19:7,172,407, plus strand): 5'-ACCAGAGCGTAGGATCGGCGGATTTTTAGATACCCTGAAATTTCTTCAATGAGGCCGAGG[T>C]TGGCTTCTAGCTCAGCTGCCAGATTGTCTAAGGAAAGGAGAGAATATCCAGTGGGTTTCT-3'
Protein context (NP_000199.2, residues 374-394): GNNLAAELEA[Asn384Ser]LGLIEEISGY

ClinVar aggregate classification (germline): Uncertain significance (1 of 4 stars; one submission).

Allele frequency attached by ClinVar (database versions not stated): gnomAD exomes below 0.00001 and 0.00001; TOPMed below 0.00001; gnomAD 0.00001.
gnomAD v4.1: 12 of 1,613,964 alleles (0.00074%); highest among the groups gnomAD compares: Admixed American, 0.0017%; no homozygotes.

Submission:

Women's Health and Genetics/Laboratory Corporation of America, LabCorp
Classification: Uncertain significance. Last evaluated: 2020-11-04. Review status: criteria provided, single submitter. Criteria: LabCorp Variant Classification Summary - May 2015. Collection method: clinical testing. Allele origin: germline.
Comment: Variant summary: INSR c.1151A>G (p.Asn384Ser) results in a conservative amino acid change located in the Receptor L-domain (IPR000494) of the encoded protein sequence. Four of five in-silico tools predict a benign effect of the variant on protein function. The variant allele was found at a frequency of 4e-06 in 251392 control chromosomes (gnomAD). The available data on variant occurrences in the general population are insufficient to allow any conclusion about variant significance. To our knowledge, no occurrence of c.1151A>G in individuals affected with Hyperinsulinemic Hypoglycemia Familial 5 and no experimental evidence demonstrating its impact on protein function have been reported. No clinical diagnostic laboratories have submitted clinical-significance assessments for this variant to ClinVar after 2014. Based on the evidence outlined above, the variant was classified as uncertain significance.